The following is an entry in ClinVar:

NM_032656.4(DHX37):c.75del (p.Glu26fs)

Genes: DHX37 (DEAH-box helicase 37; minus strand), LOC130009166 (ATAC-STARR-seq lymphoblastoid silent region 5073; plus strand). Cytogenetic location: 12q24.31.
Variant type: Deletion.
Coding change: c.75del on transcript NM_032656.4 (MANE Select); coding-DNA position 75, one base deleted (C; older notation c.75delC).
Protein change: p.Glu26fs; shifts the reading frame from glutamic acid 26.
Molecular consequence: frameshift variant.
Genome position (GRCh38, 1-based): chr12:124,988,948, G deleted on the plus strand (C on the coding strand, the reverse complement: DHX37 is on the minus strand); the first of 7 consecutive G bases (chr12:124,988,948-124,988,954); deleting any one gives the same sequence. VCF-style (leftmost placement, unchanged base first): chr12-124988947-CG-C. GRCh37 (hg19) VCF-style: chr12-125473493-CG-C.
Other names: short protein forms E26fs.
Identifiers: ClinVar variation 3774187 (VCV003774187.1).

ClinVar aggregate classification (germline): Uncertain significance (1 of 4 stars; one submission).

Submission:

GeneDx
Classification: Uncertain significance. Last evaluated: 2024-09-18. Review status: criteria provided, single submitter. Criteria: GeneDx Variant Classification Process June 2021. Collection method: clinical testing. Allele origin: germline. Affected: yes.
Comment: Frameshift variant predicted to result in protein truncation or nonsense mediated decay in a gene or region of a gene for which loss of function is not a well-established mechanism of disease; Has not been previously published as pathogenic or benign to our knowledge